The following is an entry in ClinVar:

NM_181523.3(PIK3R1):c.1756C>T (p.Gln586Ter)

Gene: PIK3R1 (phosphoinositide-3-kinase regulatory subunit 1; plus strand). Cytogenetic location: 5q13.1.
Variant type: single nucleotide variant.
Coding change: c.1756C>T on transcript NM_181523.3 (MANE Select); coding-DNA position 1756, C replaced by T.
Protein change: p.Gln586Ter; replaces glutamine 586 with a stop codon.
Molecular consequence: nonsense.
Genome position (GRCh38, 1-based): chr5:68,295,430, C>T. VCF-style: chr5-68295430-C-T. GRCh37 (hg19) VCF-style: chr5-67591258-C-T.
Other names: c.667C>T, p.Gln223Ter (NM_001242466.2); c.946C>T, p.Gln316Ter (NM_181504.4); c.856C>T, p.Gln286Ter (NM_181524.2); short protein forms Q286*, Q316*, Q586*, Q223*.
Identifiers: ClinVar variation 4785500 (VCV004785500.1).

ClinVar aggregate classification (germline): Pathogenic (1 of 4 stars; one submission).

Conditions:
Agammaglobulinemia 7, autosomal recessive (AGM7). Also called: AGAMMAGLOBULINEMIA, AUTOSOMAL RECESSIVE, DUE TO PIK3R1 DEFECT. Identifiers: MedGen C3554689, MONDO:0014083, OMIM 615214.
SHORT syndrome. Also called: SHORT STATURE, HYPEREXTENSIBILITY, HERNIA, OCULAR DEPRESSION, RIEGER ANOMALY, AND TEETHING DELAY; LIPODYSTROPHY, PARTIAL, WITH RIEGER ANOMALY AND SHORT STATURE; PIK3R1-Related SHORT Syndrome. Identifiers: Orphanet 3163, MedGen C0878684, MONDO:0010026, OMIM 269880.
Immunodeficiency 36 with lymphoproliferation. Also called: Immunodeficiency 36; Activated PI3K Delta Syndrome Type 2 (APDS2); ACTIVATED PI3K-DELTA SYNDROME 2. Identifiers: Orphanet 397596, Orphanet 693681, MedGen C4014934, MONDO:0014453, OMIM 616005.

Submission:

Labcorp Genetics (formerly Invitae), Labcorp
Classification: Pathogenic for SHORT syndrome; Immunodeficiency 36 with lymphoproliferation; Agammaglobulinemia 7, autosomal recessive. Last evaluated: 2025-07-06. Review status: criteria provided, single submitter. Criteria: Invitae Variant Classification Sherloc (09022015). Collection method: clinical testing. Allele origin: germline.
Comment: This sequence change creates a premature translational stop signal (p.Gln586*) in the PIK3R1 gene. It is expected to result in an absent or disrupted protein product. Loss-of-function variants in PIK3R1 are known to be pathogenic (PMID: 22351933, 25133428). This variant is not present in population databases (gnomAD no frequency). This variant has not been reported in the literature in individuals affected with PIK3R1-related conditions. For these reasons, this variant has been classified as Pathogenic.

Literature cited by the submitters: PubMed 22351933; PubMed 25133428.